The following is an entry in ClinVar:

NM_015295.3(SMCHD1):c.333G>A (p.Thr111=)

Gene: SMCHD1 (structural maintenance of chromosomes flexible hinge domain containing 1; plus strand). Cytogenetic location: 18p11.32.
Variant type: single nucleotide variant.
Coding change: c.333G>A on transcript NM_015295.3 (MANE Select); coding-DNA position 333, G replaced by A.
Protein change: p.Thr111=; no amino-acid change (threonine 111 retained).
Molecular consequence: synonymous variant.
Genome position (GRCh38, 1-based): chr18:2,666,940, G>A. VCF-style: chr18-2666940-G-A. GRCh37 (hg19) VCF-style: chr18-2666939-G-A.
Identifiers: ClinVar variation 497504 (VCV000497504.19), dbSNP rs761171049, ClinGen allele CA8870532.

ClinVar aggregate classification (germline): Likely benign. Review status: criteria provided, multiple submitters, no conflicts (2 of 4 stars). 4 submissions from 4 submitters: Likely benign (4). Last evaluated 2026-02-01.

Conditions:
Facioscapulohumeral muscular dystrophy 2 (FSHD2). Also called: FACIOSCAPULOHUMERAL MUSCULAR DYSTROPHY 2, DIGENIC; FSHD2, DIGENIC; MUSCULAR DYSTROPHY, FACIOSCAPULOHUMERAL, TYPE 1B. Identifiers: Orphanet 269, MedGen C1834671, MONDO:0008031, OMIM 158901.

Allele frequency attached by ClinVar (database versions not stated): gnomAD 0.00003 and 0.00004; gnomAD exomes 0.00006 and 0.00008; TOPMed 0.00007; ExAC 0.00010.
gnomAD v4.1: 114 of 1,612,456 alleles (0.0071%); highest among the groups gnomAD compares: Admixed American, 0.018%; no homozygotes.

Submissions (4):

Labcorp Genetics (formerly Invitae), Labcorp
Classification: Likely benign for Facioscapulohumeral muscular dystrophy 2. Last evaluated: 2026-02-01. Review status: criteria provided, single submitter. Criteria: Invitae Variant Classification Sherloc (09022015). Collection method: clinical testing. Allele origin: germline.

Athena Diagnostics
Classification: Likely benign. Last evaluated: 2025-02-06. Review status: criteria provided, single submitter. Criteria: Athena Diagnostics Criteria. Collection method: clinical testing. Allele origin: unknown.
Comment: Computational tools yielded predictions that this variant is unlikely to have an effect on normal RNA splicing. This nucleotide position exhibits low evolutionary conservation.

Blueprint Genetics
Classification: Likely benign. Last evaluated: 2023-12-22. Review status: criteria provided, single submitter. Criteria: ACMG Guidelines, 2015. Collection method: clinical testing. Allele origin: germline.

Eurofins Ntd Llc (ga)
Classification: Likely benign. Last evaluated: 2016-10-18. Review status: criteria provided, single submitter. Criteria: EGL Classification Definitions 2015. Collection method: clinical testing. Allele origin: germline. Observed: 1 variant allele, 1 heterozygote.